The following is an entry in ClinVar:

ClinVar aggregate classification (germline): Conflicting classifications of pathogenicity. Review status: criteria provided, conflicting classifications (1 of 4 stars). 4 submissions from 1 submitter: Uncertain significance (2); Benign (2). Last evaluated 2018-01-13.

Conditions:
Sensory ataxic neuropathy, dysarthria, and ophthalmoparesis (SANDO). Also called: SENSORY ATAXIC NEUROPATHY WITH MITOCHONDRIAL DNA DELETIONS, AUTOSOMAL RECESSIVE; Ataxia Neuropathy Spectrum (ANS); Sensory ataxic neuropathy-dysarthria-ophthalmoparesis syndrome; Epilepsy, progressive myoclonic, type 5. Identifiers: Orphanet 70595, MedGen C1843851, MONDO:0011835, OMIM 607459.
Autosomal recessive cerebellar ataxia. Also called: Spinocerebellar ataxia, autosomal recessive; Spinocerebellar Ataxia, Recessive. Identifiers: Orphanet 1172, MedGen C5575375, MONDO:0015244.
Progressive external ophthalmoplegia with mitochondrial DNA deletions, autosomal dominant 3. Also called: PROGRESSIVE EXTERNAL OPHTHALMOPLEGIA, AUTOSOMAL DOMINANT 3. Identifiers: MedGen C1836439, MONDO:0012241, OMIM 609286.
Infantile onset spinocerebellar ataxia (MTDPS7). Also called: OHAHA SYNDROME; SPINOCEREBELLAR ATAXIA, INFANTILE, WITH SENSORY NEUROPATHY; Mitochondrial DNA depletion syndrome 7 (hepatocerebral type); OPHTHALMOPLEGIA, HYPOTONIA, ATAXIA, HYPOACUSIS, AND ATHETOSIS. Identifiers: Orphanet 1186, MedGen C1849096, MONDO:0010060, OMIM 271245.

Allele frequency attached by ClinVar (database versions not stated): 1000 Genomes Project 0.00200; 1000 Genomes Project 30x 0.00219; gnomAD 0.00264; TOPMed 0.00304; gnomAD exomes 0.00359.
gnomAD v4.1: 1,598 of 450,124 alleles (0.36%); highest among the groups gnomAD compares: Middle Eastern, 0.82%; 7 homozygotes.

Submissions (4):

Illumina Laboratory Services, Illumina
Classification: Uncertain significance for Autosomal recessive cerebellar ataxia. Last evaluated: 2018-01-13. Review status: criteria provided, single submitter. Criteria: ICSL Variant Classification Criteria 13 December 2019. Collection method: clinical testing. Allele origin: germline.

Illumina Laboratory Services, Illumina
Classification: Uncertain significance for Infantile onset spinocerebellar ataxia. Last evaluated: 2018-01-13. Review status: criteria provided, single submitter. Criteria: ICSL Variant Classification Criteria 13 December 2019. Collection method: clinical testing. Allele origin: germline.

Illumina Laboratory Services, Illumina
Classification: Benign for Progressive external ophthalmoplegia with mitochondrial DNA deletions, autosomal dominant 3. Last evaluated: 2018-01-13. Review status: criteria provided, single submitter. Criteria: ICSL Variant Classification Criteria 13 December 2019. Collection method: clinical testing. Allele origin: germline.
Comment: This variant was observed in the ICSL laboratory as part of a predisposition screen in an ostensibly healthy population. It had not been previously curated by ICSL or reported in the Human Gene Mutation Database (HGMD: prior to June 1st, 2018), and was therefore a candidate for classification through an automated scoring system. Utilizing variant allele frequency, disease prevalence and penetrance estimates, and inheritance mode, an automated score was calculated to assess if this variant is too frequent to cause the disease. Based on the score and internal cut-off values, a variant classified as benign is not then subjected to further curation. The score for this variant resulted in a classification of benign for this disease.

Illumina Laboratory Services, Illumina
Classification: Benign for Sensory ataxic neuropathy-dysarthria-ophthalmoparesis syndrome. Last evaluated: 2018-01-13. Review status: criteria provided, single submitter. Criteria: ICSL Variant Classification Criteria 13 December 2019. Collection method: clinical testing. Allele origin: germline.
Comment: the same text as in the submission from Illumina Laboratory Services, Illumina above.

NM_021830.5(TWNK):c.*301C>T

Gene: TWNK (twinkle mtDNA helicase; plus strand). Cytogenetic location: 10q24.31.
Variant type: single nucleotide variant.
Coding change: c.*301C>T on transcript NM_021830.5 (MANE Select); 301 bases downstream of the stop codon, C replaced by T.
Molecular consequence: 3 prime UTR variant. On other transcripts: non-coding transcript variant (5).
Genome position (GRCh38, 1-based): chr10:100,993,811, C>T. VCF-style: chr10-100993811-C-T. GRCh37 (hg19) VCF-style: chr10-102753568-C-T.
Other names: c.*651C>T (NM_001163812.2, NM_001163814.2); c.*301C>T (NM_001163813.2, NM_001368275.1).
Identifiers: ClinVar variation 298507 (VCV000298507.5), dbSNP rs41291468, ClinGen allele CA10630757.